The following is an entry in ClinVar:

NM_001042492.3(NF1):c.1752_1759del (p.Leu585fs)

Gene: NF1 (neurofibromin 1; plus strand). Cytogenetic location: 17q11.2.
Variant type: Deletion.
Coding change: c.1752_1759del on transcript NM_001042492.3 (MANE Select); coding-DNA positions 1752 to 1759, 8 bases deleted (ATTAACTA; older notation c.1752_1759delATTAACTA).
Protein change: p.Leu585fs; shifts the reading frame from leucine 585.
Molecular consequence: frameshift variant.
Genome position (GRCh38, 1-based): chr17:31,223,474-31,223,481, ATTAACTA deleted; deleting any 8 consecutive bases within chr17:31,223,473-31,223,481 gives the same sequence; the c. name uses the placement nearest the transcript's 3' end. VCF-style (leftmost placement, unchanged base first): chr17-31223472-AAATTAACT-A. GRCh37 (hg19) VCF-style: chr17-29550490-AAATTAACT-A.
Other names: c.1752_1759delATTAACTA, p.Leu585Serfs (NM_000267.4); short protein forms L585fs.
Identifiers: ClinVar variation 2017748 (VCV002017748.4), dbSNP rs2508125103, ClinGen allele CA2580092825.

ClinVar aggregate classification (germline): Pathogenic (1 of 4 stars; one submission).

Conditions:
Neurofibromatosis, type 1 (NF1). Also called: Neurofibromatosis, type I; Peripheral type neurofibromatosis; VON RECKLINGHAUSEN DISEASE; NEUROFIBROMATOSIS, TYPE I, SOMATIC. Identifiers: Orphanet 636, MedGen C0027831, MONDO:0018975, OMIM 162200. Disease mechanism: loss of function.

Submission:

Labcorp Genetics (formerly Invitae), Labcorp
Classification: Pathogenic for Neurofibromatosis, type 1. Last evaluated: 2022-07-17. Review status: criteria provided, single submitter. Criteria: Invitae Variant Classification Sherloc (09022015). Collection method: clinical testing. Allele origin: germline.
Comment: For these reasons, this variant has been classified as Pathogenic. This variant has not been reported in the literature in individuals affected with NF1-related conditions. This variant is not present in population databases (gnomAD no frequency). This sequence change creates a premature translational stop signal (p.Leu585Serfs*5) in the NF1 gene. It is expected to result in an absent or disrupted protein product. Loss-of-function variants in NF1 are known to be pathogenic (PMID: 10712197, 23913538).

Literature cited by the submitters: PubMed 10712197; PubMed 23913538.